The following is an entry in ClinVar:

ClinVar aggregate classification (germline): Uncertain significance. Review status: criteria provided, multiple submitters, no conflicts (2 of 4 stars). 3 submissions from 3 submitters: Uncertain significance (3). Last evaluated 2025-05-20.

Conditions:
Inborn genetic diseases. Identifiers: MedGen C0950123, MeSH D030342.
Autosomal recessive limb-girdle muscular dystrophy type R18 (LGMDR18). Also called: Limb-girdle muscular dystrophy, type 2S; MUSCULAR DYSTROPHY, LIMB-GIRDLE, AUTOSOMAL RECESSIVE 18; Autosomal recessive limb-girdle muscular dystrophy type 2S. Identifiers: Orphanet 369840, MedGen C4517996, MONDO:0014144, OMIM 615356.

Allele frequency attached by ClinVar (database versions not stated): ExAC 0.00005.
gnomAD v4.1: 25 of 1,588,916 alleles (0.0016%); highest among the groups gnomAD compares: South Asian, 0.019%; no homozygotes.

Submissions (3):

Ambry Genetics
Classification: Uncertain significance for Inborn genetic diseases. Last evaluated: 2025-05-20. Review status: criteria provided, single submitter. Criteria: Ambry Variant Classification Scheme 2023. Collection method: clinical testing. Allele origin: germline.

Labcorp Genetics (formerly Invitae), Labcorp
Classification: Uncertain significance for Autosomal recessive limb-girdle muscular dystrophy type R18. Last evaluated: 2022-03-17. Review status: criteria provided, single submitter. Criteria: Invitae Variant Classification Sherloc (09022015). Collection method: clinical testing. Allele origin: germline.
Comment: This sequence change replaces leucine, which is neutral and non-polar, with phenylalanine, which is neutral and non-polar, at codon 1014 of the TRAPPC11 protein (p.Leu1014Phe). In summary, the available evidence is currently insufficient to determine the role of this variant in disease. Therefore, it has been classified as a Variant of Uncertain Significance. Algorithms developed to predict the effect of missense changes on protein structure and function are either unavailable or do not agree on the potential impact of this missense change (SIFT: "Deleterious"; PolyPhen-2: "Probably Damaging"; Align-GVGD: "Class C0"). ClinVar contains an entry for this variant (Variation ID: 849374). This variant has not been reported in the literature in individuals affected with TRAPPC11-related conditions. This variant is present in population databases (rs79057512, gnomAD 0.02%).

Revvity Omics, Revvity
Classification: Uncertain significance for Autosomal recessive limb-girdle muscular dystrophy type R18. Last evaluated: 2019-05-23. Review status: criteria provided, single submitter. Criteria: ACMG Guidelines, 2015. Collection method: clinical testing. Allele origin: germline.

NM_021942.6(TRAPPC11):c.3040C>T (p.Leu1014Phe)

Gene: TRAPPC11 (trafficking protein particle complex subunit 11; plus strand). Cytogenetic location: 4q35.1.
Variant type: single nucleotide variant.
Coding change: c.3040C>T on transcript NM_021942.6 (MANE Select); coding-DNA position 3040, C replaced by T.
Protein change: p.Leu1014Phe; replaces leucine 1014 with phenylalanine.
Molecular consequence: missense variant.
Genome position (GRCh38, 1-based): chr4:183,705,055, C>T. VCF-style: chr4-183705055-C-T. GRCh37 (hg19) VCF-style: chr4-184626208-C-T.
Other names: c.3040C>T, p.Leu1014Phe (NM_199053.3); c.3040C>T (NM_021942.4); short protein forms L1014F.
Identifiers: ClinVar variation 849374 (VCV000849374.15), dbSNP rs79057512, ClinGen allele CA3152419.
Genomic context (GRCh38, chr4:183,705,055, plus strand): 5'-AATATCCCCATCATCACAACTGTCATCACTCTGCCGCACGTGATTGTGGAGAATATCCCT[C>T]TCCATGTGAATGCAGGTAGCGGAATTCAAATTTTACTTGATAAGAAGGACCCAATAATAA-3'
Protein context (NP_068761.4, residues 1004-1024): LPHVIVENIP[Leu1014Phe]HVNADLPSFG